The following is an entry in ClinVar:

ClinVar aggregate classification (germline): Conflicting classifications of pathogenicity. Review status: criteria provided, conflicting classifications (1 of 4 stars). 2 submissions from 2 submitters: Uncertain significance (1); Likely benign (1). Last evaluated 2025-12-13.

Conditions:
Developmental and epileptic encephalopathy, 42 (DEE42A). Also called: DEVELOPMENTAL AND EPILEPTIC ENCEPHALOPATHY 42A; EPILEPTIC ENCEPHALOPATHY, EARLY INFANTILE, 42A; Epileptic encephalopathy, early infantile, 42. Identifiers: MedGen C4310716, MONDO:0014917, OMIM 617106.
Episodic ataxia type 2 (EA2). Also called: ATAXIA, EPISODIC, WITH NYSTAGMUS; ATAXIA, FAMILIAL PAROXYSMAL; CEREBELLAR ATAXIA, PAROXYSMAL, ACETAZOLAMIDE-RESPONSIVE; CEREBELLOPATHY, HEREDITARY PAROXYSMAL; EPISODIC ATAXIA, NYSTAGMUS-ASSOCIATED; ACETAZOLAMIDE-RESPONSIVE HEREDITARY PAROXYSMAL CEREBELLAR ATAXIA. Identifiers: Orphanet 97, MedGen C1720416, MONDO:0007163, OMIM 108500.

Allele frequency attached by ClinVar (database versions not stated): gnomAD 0.00001; 1000 Genomes Project 30x 0.00016.
gnomAD v4.1: 13 of 1,604,872 alleles (0.00081%); highest among the groups gnomAD compares: Admixed American, 0.0034%; no homozygotes.

Submissions (2):

Labcorp Genetics (formerly Invitae), Labcorp
Classification: Likely benign for Developmental and epileptic encephalopathy, 42; Episodic ataxia type 2. Last evaluated: 2025-12-13. Review status: criteria provided, single submitter. Criteria: Invitae Variant Classification Sherloc (09022015). Collection method: clinical testing. Allele origin: germline.

GeneDx
Classification: Uncertain significance. Last evaluated: 2022-11-18. Review status: criteria provided, single submitter. Criteria: GeneDx Variant Classification Process June 2021. Collection method: clinical testing. Allele origin: germline. Affected: yes.
Comment: In silico analysis supports that this missense variant has a deleterious effect on protein structure/function; Has not been previously published as pathogenic or benign to our knowledge

NM_001127222.2(CACNA1A):c.5636G>A (p.Arg1879Gln)

Gene: CACNA1A (calcium voltage-gated channel subunit alpha1 A; minus strand). Cytogenetic location: 19p13.13.
Variant type: single nucleotide variant.
Coding change: c.5636G>A on transcript NM_001127222.2 (MANE Select); coding-DNA position 5636, G replaced by A.
Protein change: p.Arg1879Gln; replaces arginine 1879 with glutamine.
Molecular consequence: missense variant.
Genome position (GRCh38, 1-based): chr19:13,224,762, C>T on the plus strand (G>A on the coding strand, the complement: CACNA1A is on the minus strand). VCF-style: chr19-13224762-C-T. GRCh37 (hg19) VCF-style: chr19-13335576-C-T.
Other names: c.5639G>A (NM_001127221.1); c.5654G>A, p.Arg1885Gln (NM_000068.4, NM_023035.3); c.5639G>A, p.Arg1880Gln (NM_001127221.2); c.5645G>A, p.Arg1882Gln (NM_001174080.2); short protein forms R1879Q, R1880Q, R1882Q, R1885Q.
Identifiers: ClinVar variation 1470692 (VCV001470692.6), dbSNP rs1010331313, ClinGen allele CA305559041.